The following is an entry in ClinVar:

NC_000017.11:g.(?_68512379)_(68515586_?)del

Gene: PRKAR1A (protein kinase cAMP-dependent type I regulatory subunit alpha; plus strand). Cytogenetic location: 17q24.2.
Variant type: Deletion.
Identifiers: ClinVar variation 830487 (VCV000830487.1).

ClinVar aggregate classification (germline): Pathogenic (1 of 4 stars; one submission).

Conditions:
Carney complex, type 1 (CNC1). Also called: CARNEY MYXOMA-ENDOCRINE COMPLEX; CARNEY COMPLEX, TYPE I. Identifiers: Orphanet 1359, MedGen C2607929, MONDO:0008057, OMIM 160980.

Submission:

Labcorp Genetics (formerly Invitae), Labcorp
Classification: Pathogenic for Carney complex, type 1. Last evaluated: 2019-12-06. Review status: criteria provided, single submitter. Criteria: Invitae Variant Classification Sherloc (09022015). Collection method: clinical testing. Allele origin: germline.
Comment: This variant is a gross deletion of the genomic region encompassing exons 1-2 of the PRKAR1A gene, which includes the initiator codon. The 5' end of this event is unknown as it extends beyond the assayed region for this gene and therefore may encompass additional genes. The 3' boundary is likely confined to intron 2 of the PRKAR1A gene. This is expected to result in an absent or disrupted protein product. Smaller deletions of exon 2 have been observed in individual(s) with clinical features of Carney complex (PMID: 28640241). Loss-of-function variants in PRKAR1A are known to be pathogenic (PMID: 11115848, 19293268). For these reasons, this variant has been classified as Pathogenic.

Literature cited by the submitters: PubMed 28640241.